The following is an entry in ClinVar:

NM_006445.4(PRPF8):c.3061-11T>G

Gene: PRPF8 (pre-mRNA processing factor 8; minus strand). Cytogenetic location: 17p13.3.
Variant type: single nucleotide variant.
Coding change: c.3061-11T>G on transcript NM_006445.4 (MANE Select); 11 bases into the intron before coding-DNA position 3061, T replaced by G.
Molecular consequence: intron variant.
Genome position (GRCh38, 1-based): chr17:1,674,691, A>C on the plus strand (T>G on the coding strand, the complement: PRPF8 is on the minus strand). VCF-style: chr17-1674691-A-C. GRCh37 (hg19) VCF-style: chr17-1577985-A-C.
Identifiers: ClinVar variation 321895 (VCV000321895.15), dbSNP rs11652160, ClinGen allele CA8271967.

ClinVar aggregate classification (germline): Benign. Review status: criteria provided, multiple submitters, no conflicts (2 of 4 stars). 4 submissions from 4 submitters: Benign (3). 1 of the submissions does not count toward it. Last evaluated 2026-01-26.

Conditions:
Retinal dystrophy. Also called: Inherited retinal dystrophy. Identifiers: Orphanet 71862, MedGen C0854723, MeSH D058499, MONDO:0019118, HP:0000556.
Retinitis pigmentosa (RP). Identifiers: Orphanet 791, MedGen C0035334, MeSH D012174, MONDO:0019200, OMIM 268000. Inheritance: Autosomal dominant, autosomal recessive and X linked inheritance.

Allele frequency attached by ClinVar (database versions not stated): 1000 Genomes Project 30x 0.00312; 1000 Genomes Project 0.00359; TOPMed 0.00954; gnomAD exomes 0.01033 and 0.01508; gnomAD 0.01044 and 0.01070; ExAC 0.01045; ESP Exome Variant Server 0.01169.
gnomAD v4.1: 23,423 of 1,609,294 alleles (1.5%); highest among the groups gnomAD compares: Non-Finnish European, 1.8%; 234 homozygotes.

Submissions (17):

Labcorp Genetics (formerly Invitae), Labcorp
Classification: Benign. Last evaluated: 2026-01-26. Review status: criteria provided, single submitter. Criteria: Invitae Variant Classification Sherloc (09022015). Collection method: clinical testing. Allele origin: germline.

Illumina Laboratory Services, Illumina
Classification: Benign for Retinitis pigmentosa. Last evaluated: 2018-01-12. Review status: criteria provided, single submitter. Criteria: ICSL Variant Classification Criteria 13 December 2019. Collection method: clinical testing. Allele origin: germline.
Comment: This variant was observed in the ICSL laboratory as part of a predisposition screen in an ostensibly healthy population. It had not been previously curated by ICSL or reported in the Human Gene Mutation Database (HGMD: prior to June 1st, 2018), and was therefore a candidate for classification through an automated scoring system. Utilizing variant allele frequency, disease prevalence and penetrance estimates, and inheritance mode, an automated score was calculated to assess if this variant is too frequent to cause the disease. Based on the score and internal cut-off values, a variant classified as benign is not then subjected to further curation. The score for this variant resulted in a classification of benign for this disease.

Breakthrough Genomics
Classification: Benign. Review status: criteria provided, single submitter. Criteria: ACMG Guidelines, 2015. Collection method: not provided. Allele origin: germline. Inheritance: Autosomal dominant inheritance. Affected: yes.

Institute of Human Genetics, Univ. Regensburg, Univ. Regensburg
Classification: Likely benign for Retinal dystrophy. Last evaluated: 2012-01-01. Review status: no assertion criteria provided. Criteria: ACMG Guidelines, 2015. Collection method: clinical testing. Allele origin: germline. Affected: yes. Not counted in ClinVar's aggregate classification.

Dr. Peter K. Rogan Lab, Western University
No classification provided (evidence only). Condition: Familial cancer of breast. Review status: no classification provided. Collection method: in vitro. Allele origin: not applicable. Functional consequence: retained intron. Not counted in ClinVar's aggregate classification.

Dr. Peter K. Rogan Lab, Western University
No classification provided (evidence only). Condition: Acute myeloid leukemia. Review status: no classification provided. Collection method: in vitro. Allele origin: not applicable. Functional consequence: retained intron. Not counted in ClinVar's aggregate classification.

Dr. Peter K. Rogan Lab, Western University
No classification provided (evidence only). Condition: Acute myeloid leukemia. Review status: no classification provided. Collection method: in vitro. Allele origin: not applicable. Functional consequence: retained intron. Not counted in ClinVar's aggregate classification.

Dr. Peter K. Rogan Lab, Western University
No classification provided (evidence only). Condition: Acute myeloid leukemia. Review status: no classification provided. Collection method: in vitro. Allele origin: not applicable. Functional consequence: retained intron. Not counted in ClinVar's aggregate classification.

Dr. Peter K. Rogan Lab, Western University
No classification provided (evidence only). Condition: Acute myeloid leukemia. Review status: no classification provided. Collection method: in vitro. Allele origin: not applicable. Functional consequence: retained intron. Not counted in ClinVar's aggregate classification.

Dr. Peter K. Rogan Lab, Western University
No classification provided (evidence only). Condition: Acute myeloid leukemia. Review status: no classification provided. Collection method: in vitro. Allele origin: not applicable. Functional consequence: retained intron. Not counted in ClinVar's aggregate classification.

Dr. Peter K. Rogan Lab, Western University
No classification provided (evidence only). Condition: Cervical cancer. Review status: no classification provided. Collection method: in vitro. Allele origin: not applicable. Functional consequence: retained intron. Not counted in ClinVar's aggregate classification.

Dr. Peter K. Rogan Lab, Western University
No classification provided (evidence only). Condition: Sarcoma. Review status: no classification provided. Collection method: in vitro. Allele origin: not applicable. Functional consequence: retained intron. Not counted in ClinVar's aggregate classification.

Dr. Peter K. Rogan Lab, Western University
No classification provided (evidence only). Condition: Ovarian serous cystadenocarcinoma. Review status: no classification provided. Collection method: in vitro. Allele origin: not applicable. Functional consequence: retained intron. Not counted in ClinVar's aggregate classification.

Dr. Peter K. Rogan Lab, Western University
No classification provided (evidence only). Condition: Ovarian serous cystadenocarcinoma. Review status: no classification provided. Collection method: in vitro. Allele origin: not applicable. Functional consequence: retained intron. Not counted in ClinVar's aggregate classification.

Dr. Peter K. Rogan Lab, Western University
No classification provided (evidence only). Condition: Ovarian serous cystadenocarcinoma. Review status: no classification provided. Collection method: in vitro. Allele origin: not applicable. Functional consequence: retained intron. Not counted in ClinVar's aggregate classification.

Dr. Peter K. Rogan Lab, Western University
No classification provided (evidence only). Condition: Gastric cancer. Review status: no classification provided. Collection method: in vitro. Allele origin: not applicable. Functional consequence: retained intron. Not counted in ClinVar's aggregate classification.

Dr. Peter K. Rogan Lab, Western University
No classification provided (evidence only). Condition: Malignant tumor of esophagus. Review status: no classification provided. Collection method: in vitro. Allele origin: not applicable. Functional consequence: retained intron. Not counted in ClinVar's aggregate classification.